The following is an entry in ClinVar:

NM_000719.7(CACNA1C):c.587A>G (p.Asn196Ser)

Gene: CACNA1C (calcium voltage-gated channel subunit alpha1 C; plus strand). Cytogenetic location: 12p13.33.
Variant type: single nucleotide variant.
Coding change: c.587A>G on transcript NM_000719.7 (MANE Select); coding-DNA position 587, A replaced by G.
Protein change: p.Asn196Ser; replaces asparagine 196 with serine.
Molecular consequence: missense variant.
Genome position (GRCh38, 1-based): chr12:2,449,085, A>G. VCF-style: chr12-2449085-A-G. GRCh37 (hg19) VCF-style: chr12-2558251-A-G.
Other names: c.587A>G, p.Asn196Ser (NM_001129827.2, NM_001129829.2, NM_001129830.3 and 19 more transcripts); short protein forms N196S.
Identifiers: ClinVar variation 3781127 (VCV003781127.1).

ClinVar aggregate classification (germline): Uncertain significance (1 of 4 stars; one submission).

Submission:

GeneDx
Classification: Uncertain significance. Last evaluated: 2024-10-16. Review status: criteria provided, single submitter. Criteria: GeneDx Variant Classification Process June 2021. Collection method: clinical testing. Allele origin: germline. Affected: yes.
Comment: Not observed at significant frequency in large population cohorts (gnomAD); In silico analysis supports that this missense variant has a deleterious effect on protein structure/function; Has not been previously published as pathogenic or benign to our knowledge